The following is an entry in ClinVar:

ClinVar aggregate classification (germline): Uncertain significance (1 of 4 stars; one submission).

Conditions:
Familial thoracic aortic aneurysm and aortic dissection (TAAD). Also called: Thoracic aortic aneurysms and dissections. Identifiers: Orphanet 91387, MedGen C4707243, MONDO:0019625.

Submission:

Ambry Genetics
Classification: Uncertain significance for Familial thoracic aortic aneurysm and aortic dissection. Last evaluated: 2024-12-05. Review status: criteria provided, single submitter. Criteria: Ambry Variant Classification Scheme 2023. Collection method: clinical testing. Allele origin: germline.
Comment: The p.T887I variant (also known as c.2660C>T), located in coding exon 17 of the NOTCH1 gene, results from a C to T substitution at nucleotide position 2660. The threonine at codon 887 is replaced by isoleucine, an amino acid with similar properties. This amino acid position is conserved. In addition, the in silico prediction for this alteration is inconclusive. Based on the available evidence, the clinical significance of this variant remains unclear.

NM_017617.5(NOTCH1):c.2660C>T (p.Thr887Ile)

Gene: NOTCH1 (notch receptor 1; minus strand). Cytogenetic location: 9q34.3.
Variant type: single nucleotide variant.
Coding change: c.2660C>T on transcript NM_017617.5 (MANE Select); coding-DNA position 2660, C replaced by T.
Protein change: p.Thr887Ile; replaces threonine 887 with isoleucine.
Molecular consequence: missense variant.
Genome position (GRCh38, 1-based): chr9:136,510,733, G>A on the plus strand (C>T on the coding strand, the complement: NOTCH1 is on the minus strand). VCF-style: chr9-136510733-G-A. GRCh37 (hg19) VCF-style: chr9-139405185-G-A.
Other names: short protein forms T887I.
Identifiers: ClinVar variation 3406926 (VCV003406926.1).